The following is an entry in ClinVar:

NM_006593.4(TBR1):c.1787T>A (p.Leu596Gln)

Gene: TBR1 (T-box brain transcription factor 1; plus strand). Cytogenetic location: 2q24.2.
Variant type: single nucleotide variant.
Coding change: c.1787T>A on transcript NM_006593.4 (MANE Select); coding-DNA position 1787, T replaced by A.
Protein change: p.Leu596Gln; replaces leucine 596 with glutamine.
Molecular consequence: missense variant.
Genome position (GRCh38, 1-based): chr2:161,423,965, T>A. VCF-style: chr2-161423965-T-A. GRCh37 (hg19) VCF-style: chr2-162280476-T-A.
Other names: short protein forms L596Q.
Identifiers: ClinVar variation 1312374 (VCV001312374.2), dbSNP rs1684279138, ClinGen allele CA349214460.

ClinVar aggregate classification (germline): Uncertain significance (1 of 4 stars; one submission).

Submission:

GeneDx
Classification: Uncertain significance. Last evaluated: 2019-09-24. Review status: criteria provided, single submitter. Criteria: GeneDx Variant Classification Process June 2021. Collection method: clinical testing. Allele origin: germline. Affected: yes.
Comment: Not observed in large population cohorts (Lek et al., 2016); In silico analysis, which includes protein predictors and evolutionary conservation, supports that this variant does not alter protein structure/function; Has not been previously published as pathogenic or benign to our knowledge